The following is an entry in ClinVar:

ClinVar aggregate classification (germline): Uncertain significance (1 of 4 stars; one submission).

Conditions:
Psoriasis 2. Identifiers: MedGen C1864497, MONDO:0011269, OMIM 602723.
Pityriasis rubra pilaris (PRP). Also called: Pityriasis rubra pilaris--familial type. Identifiers: Orphanet 2897, MedGen C0032027, MONDO:0100017, OMIM 173200, MONDO:0008251.

Submission:

Labcorp Genetics (formerly Invitae), Labcorp
Classification: Uncertain significance for Pityriasis rubra pilaris; Psoriasis 2. Last evaluated: 2023-11-18. Review status: criteria provided, single submitter. Criteria: Invitae Variant Classification Sherloc (09022015). Collection method: clinical testing. Allele origin: germline.
Comment: This variant, c.2983_2985del, results in the deletion of 1 amino acid(s) of the CARD14 protein (p.Lys995del), but otherwise preserves the integrity of the reading frame. This variant is present in population databases (rs766775669, gnomAD 0.004%). This variant has been observed in individual(s) with primary immunodeficiency (PMID: 33225392). ClinVar contains an entry for this variant (Variation ID: 946350). In summary, the available evidence is currently insufficient to determine the role of this variant in disease. Therefore, it has been classified as a Variant of Uncertain Significance.

Literature cited by the submitters: PubMed 33225392.

NM_001366385.1(CARD14):c.2980AAG[1] (p.Lys995del)

Genes: CARD14 (caspase recruitment domain family member 14; plus strand), SGSH (N-sulfoglucosamine sulfohydrolase; minus strand). Cytogenetic location: 17q25.3.
Variant type: Microsatellite.
Coding change: c.2980AAG[1] on transcript NM_001366385.1 (MANE Select); one copy of the 3-base unit AAG starting at c.2980; the reference has two copies in a row; one copy, 3 bases deleted.
Protein change: p.Lys995del; deletes lysine 995.
Molecular consequence: inframe deletion. On other transcripts: non-coding transcript variant (1).
Genome position (GRCh38, 1-based): chr17:80,208,313-80,208,315, AAG deleted; deleting any 3 consecutive bases within chr17:80,208,308-80,208,315 gives the same sequence; the position shown is the placement nearest the transcript's 3' end. VCF-style (leftmost placement, unchanged base first): chr17-80208307-CAGA-C. GRCh37 (hg19) VCF-style: chr17-78182106-CAGA-C.
Other names: c.2980AAG[1], p.Lys995del (NM_024110.4); c.2983_2985del (NM_024110.4); short protein forms K995del.
Identifiers: ClinVar variation 946350 (VCV000946350.10), dbSNP rs766775669, ClinGen allele CA8817526.